The following is an entry in ClinVar:

NM_001204.7(BMPR2):c.3108delinsAGT (p.Asn1036fs)

Gene: BMPR2 (bone morphogenetic protein receptor type 2; plus strand). Cytogenetic location: 2q33.2.
Variant type: Indel.
Coding change: c.3108delinsAGT on transcript NM_001204.7 (MANE Select); coding-DNA position 3108, C replaced by AGT.
Protein change: p.Asn1036fs; shifts the reading frame from asparagine 1036.
Molecular consequence: frameshift variant.
Genome position (GRCh38, 1-based): chr2:202,559,937, C replaced by AGT. VCF-style: chr2-202559937-C-AGT. GRCh37 (hg19) VCF-style: chr2-203424660-C-AGT.
Other names: c.3108delCinsAGT, p.Asn1036Lysfs (NM_001204.6); short protein forms N1036fs.
Identifiers: ClinVar variation 2663251 (VCV002663251.1), dbSNP rs2468751651, ClinGen allele CA2695197096.

ClinVar aggregate classification (germline): Uncertain significance (1 of 4 stars; one submission).

Submission:

GeneDx
Classification: Uncertain significance. Last evaluated: 2023-05-11. Review status: criteria provided, single submitter. Criteria: GeneDx Variant Classification Process June 2021. Collection method: clinical testing. Allele origin: germline. Affected: yes.
Comment: Frameshift variant predicted to result in protein truncation as the last 3 amino acids are replaced with 19 different amino acids, although loss-of-function variants have not been reported downstream of this position in the protein; Not observed at significant frequency in large population cohorts (gnomAD); Has not been previously published as pathogenic or benign to our knowledge